The following is an entry in ClinVar:

ClinVar aggregate classification (germline): Pathogenic/Likely pathogenic. Review status: criteria provided, multiple submitters, no conflicts (2 of 4 stars). 2 submissions from 2 submitters: Pathogenic (1); Likely pathogenic (1). Last evaluated 2025-06-09.

Conditions:
Early-infantile DEE. Also called: Early infantile epileptic encephalopathy; Ohtahara syndrome; Early infantile epileptic encephalopathy with suppression bursts. Identifiers: Orphanet 1934, MedGen C0393706, MONDO:0800491.

Submissions (2):

Athena Diagnostics
Classification: Likely pathogenic. Last evaluated: 2025-06-09. Review status: criteria provided, single submitter. Criteria: Athena Diagnostics Criteria. Collection method: clinical testing. Allele origin: unknown.
Comment: This variant is expected to result in the loss of a functional protein. This variant has not been reported in large, multi-ethnic general populations.

Labcorp Genetics (formerly Invitae), Labcorp
Classification: Pathogenic for Early-infantile DEE. Last evaluated: 2025-04-26. Review status: criteria provided, single submitter. Criteria: Invitae Variant Classification Sherloc (09022015). Collection method: clinical testing. Allele origin: germline.
Comment: This sequence change creates a premature translational stop signal (p.Glu1454*) in the SCN1A gene. It is expected to result in an absent or disrupted protein product. Loss-of-function variants in SCN1A are known to be pathogenic (PMID: 17347258, 18930999). This variant is not present in population databases (gnomAD no frequency). This variant has not been reported in the literature in individuals affected with SCN1A-related conditions. Algorithms developed to predict the effect of sequence changes on RNA splicing suggest that this variant may disrupt the consensus splice site. For these reasons, this variant has been classified as Pathogenic.

Literature cited by the submitters: PubMed 17347258 (cited by Labcorp Genetics (formerly Invitae), Labcorp); PubMed 18930999 (cited by Labcorp Genetics (formerly Invitae), Labcorp).

NM_001165963.4(SCN1A):c.4360G>T (p.Glu1454Ter)

Genes: SCN1A (sodium voltage-gated channel alpha subunit 1; minus strand), LOC102724058 (uncharacterized LOC102724058; plus strand). Cytogenetic location: 2q24.3.
Variant type: single nucleotide variant.
Coding change: c.4360G>T on transcript NM_001165963.4 (MANE Select); coding-DNA position 4360, G replaced by T.
Protein change: p.Glu1454Ter; replaces glutamic acid 1454 with a stop codon.
Molecular consequence: nonsense. On other transcripts: non-coding transcript variant (1).
Genome position (GRCh38, 1-based): chr2:165,998,154, C>A on the plus strand (G>T on the coding strand, the complement: SCN1A is on the minus strand). VCF-style: chr2-165998154-C-A. GRCh37 (hg19) VCF-style: chr2-166854664-C-A.
Other names: c.4276G>T, p.Glu1426Ter (NM_001165964.3, NM_001353957.2, NM_001353958.2); c.4360G>T, p.Glu1454Ter (NM_001202435.3, NM_001353948.2); c.4327G>T, p.Glu1443Ter (NM_001353949.2, NM_001353950.2, NM_001353951.2 and 2 more transcripts); c.4324G>T, p.Glu1442Ter (NM_001353954.2, NM_001353955.2); c.4273G>T, p.Glu1425Ter (NM_001353960.2); c.1918G>T, p.Glu640Ter (NM_001353961.2); short protein forms E1425*, E1426*, E1442*, E1443*, E1454*, E640*.
Identifiers: ClinVar variation 4682469 (VCV004682469.2).